The following is an entry in ClinVar:

NM_000255.4(MMUT):c.1844C>T (p.Pro615Leu)

Gene: MMUT (methylmalonyl-CoA mutase; minus strand). Cytogenetic location: 6p12.3.
Variant type: single nucleotide variant.
Coding change: c.1844C>T on transcript NM_000255.4 (MANE Select); coding-DNA position 1844, C replaced by T.
Protein change: p.Pro615Leu; replaces proline 615 with leucine.
Molecular consequence: missense variant.
Genome position (GRCh38, 1-based): chr6:49,440,318, G>A on the plus strand (C>T on the coding strand, the complement: MMUT is on the minus strand). VCF-style: chr6-49440318-G-A. GRCh37 (hg19) VCF-style: chr6-49408031-G-A.
Other names: short protein forms P615L.
Identifiers: ClinVar variation 1459268 (VCV001459268.9), dbSNP rs1554158777, ClinGen allele CA364395321.

ClinVar aggregate classification (germline): Pathogenic. Review status: criteria provided, multiple submitters, no conflicts (2 of 4 stars). 4 submissions from 4 submitters: Pathogenic (4). Last evaluated 2025-11-05.

Conditions:
Methylmalonic aciduria due to methylmalonyl-CoA mutase deficiency (MAMM). Also called: Methylmalonic aciduria, mut type. Identifiers: Orphanet 27, MedGen C1855114, MONDO:0009612, OMIM 251000.

Allele frequency attached by ClinVar (database versions not stated): gnomAD exomes below 0.00001.
gnomAD v4.1: 1 of 1,613,854 alleles (0.000062%); highest among the groups gnomAD compares: South Asian, 0.0011%; no homozygotes.

Submissions (4):

Dasa
Classification: Pathogenic. Last evaluated: 2025-11-05. Review status: criteria provided, single submitter. Criteria: DASA Assertion Criteria. Collection method: clinical testing. Allele origin: germline.
Comment: NM_000255.4(MMUT):c.1844C>T (p.Pro615Leu) is a missense variant that results in the substitution of proline with leucine. The affected residue or protein region has prior evidence supporting clinical relevance. This variant has been observed in affected individuals with related phenotype in a genotype context consistent with recessive disease (PMID: 32754920; PMID: 22727635; PMID: 27167370). This variant has been recurrently observed in individuals with related phenotype (PMID: 32754920; PMID: 22727635; PMID: 27167370). Multiple computational predictions support a deleterious effect on the gene or gene product. The variant is present at low frequency in population datasets. Based on the available data, this variant is classified as pathogenic.

Immunogenetics and Transplant Biology Service, University Hospital "Città della Salute e della Scienza di Torino"
Classification: Pathogenic for Methylmalonic aciduria due to methylmalonyl-CoA mutase deficiency. Last evaluated: 2025-06-28. Review status: criteria provided, single submitter. Criteria: ACMG Guidelines, 2015. Collection method: clinical testing. Allele origin: germline. Affected: yes.

Labcorp Genetics (formerly Invitae), Labcorp
Classification: Pathogenic. Last evaluated: 2021-09-22. Review status: criteria provided, single submitter. Criteria: Invitae Variant Classification Sherloc (09022015). Collection method: clinical testing. Allele origin: germline.
Comment: Algorithms developed to predict the effect of missense changes on protein structure and function (SIFT, PolyPhen-2, Align-GVGD) all suggest that this variant is likely to be disruptive. This missense change has been observed in individuals with methylmalonic aciduria (PMID: 16435223, 22727635, 27167370). This variant is not present in population databases (ExAC no frequency). This sequence change replaces proline with leucine at codon 615 of the MUT protein (p.Pro615Leu). The proline residue is highly conserved and there is a moderate physicochemical difference between proline and leucine. Experimental studies have shown that this missense change affects MUT function (PMID: 25125334). For these reasons, this variant has been classified as Pathogenic.

Kariminejad - Najmabadi Pathology & Genetics Center
Classification: Pathogenic for Methylmalonic aciduria due to methylmalonyl-CoA mutase deficiency. Review status: criteria provided, single submitter. Criteria: ACMG Guidelines, 2015. Collection method: clinical testing. Allele origin: germline. Affected: no.

Literature cited by the submitters: PubMed 32754920 (cited by Dasa); PubMed 22727635 (cited by Dasa and Labcorp Genetics (formerly Invitae), Labcorp); PubMed 27167370 (cited by Dasa and Labcorp Genetics (formerly Invitae), Labcorp); PubMed 16435223 (cited by Labcorp Genetics (formerly Invitae), Labcorp); PubMed 25125334 (cited by Labcorp Genetics (formerly Invitae), Labcorp).